The following is an entry in ClinVar:

NM_001298.3(CNGA3):c.1929G>T (p.Arg643Ser)

Gene: CNGA3 (cyclic nucleotide gated channel subunit alpha 3; plus strand). Cytogenetic location: 2q11.2.
Variant type: single nucleotide variant.
Coding change: c.1929G>T on transcript NM_001298.3 (MANE Select); coding-DNA position 1929, G replaced by T.
Protein change: p.Arg643Ser; replaces arginine 643 with serine.
Molecular consequence: missense variant.
Genome position (GRCh38, 1-based): chr2:98,397,099, G>T. VCF-style: chr2-98397099-G-T. GRCh37 (hg19) VCF-style: chr2-99013562-G-T.
Other names: c.1875G>T, p.Arg625Ser (NM_001079878.2); short protein forms R625S, R643S.
Identifiers: ClinVar variation 1380819 (VCV001380819.5), dbSNP rs374387162, ClinGen allele CA347834596.

ClinVar aggregate classification (germline): Uncertain significance (1 of 4 stars; one submission).

Submission:

Labcorp Genetics (formerly Invitae), Labcorp
Classification: Uncertain significance. Last evaluated: 2022-08-09. Review status: criteria provided, single submitter. Criteria: Invitae Variant Classification Sherloc (09022015). Collection method: clinical testing. Allele origin: germline.
Comment: This sequence change replaces arginine, which is basic and polar, with serine, which is neutral and polar, at codon 643 of the CNGA3 protein (p.Arg643Ser). This variant is not present in population databases (gnomAD no frequency). This variant has not been reported in the literature in individuals affected with CNGA3-related conditions. ClinVar contains an entry for this variant (Variation ID: 1380819). Advanced modeling of protein sequence and biophysical properties (such as structural, functional, and spatial information, amino acid conservation, physicochemical variation, residue mobility, and thermodynamic stability) performed at Invitae indicates that this missense variant is expected to disrupt CNGA3 protein function. In summary, the available evidence is currently insufficient to determine the role of this variant in disease. Therefore, it has been classified as a Variant of Uncertain Significance.